The following is an entry in ClinVar:

NM_024503.5(HIVEP3):c.3939C>T (p.Thr1313=)

Gene: HIVEP3 (HIVEP zinc finger 3; minus strand). Cytogenetic location: 1p34.2.
Variant type: single nucleotide variant.
Coding change: c.3939C>T on transcript NM_024503.5 (MANE Select); coding-DNA position 3939, C replaced by T.
Protein change: p.Thr1313=; no amino-acid change (threonine 1313 retained).
Molecular consequence: synonymous variant.
Genome position (GRCh38, 1-based): chr1:41,580,859, G>A on the plus strand (C>T on the coding strand, the complement: HIVEP3 is on the minus strand). VCF-style: chr1-41580859-G-A. GRCh37 (hg19) VCF-style: chr1-42046530-G-A.
Other names: c.3939C>T, p.Thr1313= (NM_001127714.3).
Identifiers: ClinVar variation 2638732 (VCV002638732.24), dbSNP rs577547704, ClinGen allele CA797779.

ClinVar aggregate classification (germline): Likely benign (1 of 4 stars; one submission).

Allele frequency attached by ClinVar (database versions not stated): TOPMed below 0.00001; gnomAD 0.00003; ExAC 0.00015; 1000 Genomes Project 0.00060; 1000 Genomes Project 30x 0.00062.
gnomAD v4.1: 112 of 1,602,594 alleles (0.007%); highest among the groups gnomAD compares: South Asian, 0.11%; no homozygotes.

Submission:

CeGaT Center for Human Genetics Tuebingen
Classification: Likely benign. Last evaluated: 2023-03-01. Review status: criteria provided, single submitter. Criteria: CeGaT Center For Human Genetics Tuebingen Variant Classification Criteria Version 2. Collection method: clinical testing. Allele origin: germline. Affected: yes. Observed: 1 variant allele.
Comment: HIVEP3: BP4, BP7